The following is an entry in ClinVar:

NM_005732.4(RAD50):c.931C>A (p.His311Asn)

Gene: RAD50 (RAD50 double strand break repair protein; plus strand). Cytogenetic location: 5q31.1.
Variant type: single nucleotide variant.
Coding change: c.931C>A on transcript NM_005732.4 (MANE Select); coding-DNA position 931, C replaced by A.
Protein change: p.His311Asn; replaces histidine 311 with asparagine.
Molecular consequence: missense variant.
Genome position (GRCh38, 1-based): chr5:132,587,969, C>A. VCF-style: chr5-132587969-C-A. GRCh37 (hg19) VCF-style: chr5-131923661-C-A.
Other names: short protein forms H311N.
Identifiers: ClinVar variation 3429510 (VCV003429510.1).

ClinVar aggregate classification (germline): Uncertain significance (1 of 4 stars; one submission).

Conditions:
Hereditary cancer-predisposing syndrome. Also called: Neoplastic Syndromes, Hereditary; Tumor predisposition; Hereditary Cancer Syndrome; Hereditary neoplastic syndrome. Identifiers: Orphanet 140162, MedGen C0027672, MeSH D009386, MONDO:0015356.

Submission:

Ambry Genetics
Classification: Uncertain significance for Hereditary cancer-predisposing syndrome. Last evaluated: 2024-10-11. Review status: criteria provided, single submitter. Criteria: Ambry Variant Classification Scheme 2023. Collection method: clinical testing. Allele origin: germline.
Comment: The p.H311N variant (also known as c.931C>A), located in coding exon 7 of the RAD50 gene, results from a C to A substitution at nucleotide position 931. The histidine at codon 311 is replaced by asparagine, an amino acid with similar properties. This amino acid position is conserved. In addition, this alteration is predicted to be tolerated by in silico analysis. Based on the available evidence, the clinical significance of this variant remains unclear.